The following is an entry in ClinVar:

NM_004204.5(PIGQ):c.1421G>A (p.Arg474Gln)

Gene: PIGQ (phosphatidylinositol glycan anchor biosynthesis class Q; plus strand). Cytogenetic location: 16p13.3.
Variant type: single nucleotide variant.
Coding change: c.1421G>A on transcript NM_004204.5 (MANE Select); coding-DNA position 1421, G replaced by A.
Protein change: p.Arg474Gln; replaces arginine 474 with glutamine.
Molecular consequence: missense variant.
Genome position (GRCh38, 1-based): chr16:580,862, G>A. VCF-style: chr16-580862-G-A. GRCh37 (hg19) VCF-style: chr16-630862-G-A.
Other names: c.1421G>A, p.Arg474Gln (NM_148920.4); c.1421G>A (NM_148920.1); short protein forms R474Q.
Identifiers: ClinVar variation 844006 (VCV000844006.8), dbSNP rs368953625, ClinGen allele CA7780293.

ClinVar aggregate classification (germline): Uncertain significance. Review status: criteria provided, multiple submitters, no conflicts (2 of 4 stars). 2 submissions from 2 submitters: Uncertain significance (2). Last evaluated 2024-12-02.

Conditions:
Inborn genetic diseases. Identifiers: MedGen C0950123, MeSH D030342.
Epilepsy. Also called: Seizure disorder. Identifiers: MedGen C0014544, MeSH D004827, MONDO:0005027.

Allele frequency attached by ClinVar (database versions not stated): gnomAD 0.00001; ExAC 0.00005; TOPMed 0.00005; ESP Exome Variant Server 0.00008.
gnomAD v4.1: 54 of 1,458,128 alleles (0.0037%); highest among the groups gnomAD compares: East Asian, 0.032%; no homozygotes.

Submissions (2):

Ambry Genetics
Classification: Uncertain significance for Inborn genetic diseases. Last evaluated: 2024-12-02. Review status: criteria provided, single submitter. Criteria: Ambry Variant Classification Scheme 2023. Collection method: clinical testing. Allele origin: germline.

Labcorp Genetics (formerly Invitae), Labcorp
Classification: Uncertain significance for Epilepsy. Last evaluated: 2022-05-06. Review status: criteria provided, single submitter. Criteria: Invitae Variant Classification Sherloc (09022015). Collection method: clinical testing. Allele origin: germline.
Comment: This sequence change replaces arginine, which is basic and polar, with glutamine, which is neutral and polar, at codon 474 of the PIGQ protein (p.Arg474Gln). This variant is present in population databases (rs368953625, gnomAD 0.03%). This variant has not been reported in the literature in individuals affected with PIGQ-related conditions. ClinVar contains an entry for this variant (Variation ID: 844006). Algorithms developed to predict the effect of missense changes on protein structure and function are either unavailable or do not agree on the potential impact of this missense change (SIFT: "Deleterious"; PolyPhen-2: "Probably Damaging"; Align-GVGD: "Class C0"). In summary, the available evidence is currently insufficient to determine the role of this variant in disease. Therefore, it has been classified as a Variant of Uncertain Significance.